The following is an entry in ClinVar:

NC_000007.14:g.(?_16406061)_(16406337_?)del

Gene: CRPPA (CDP-L-ribitol pyrophosphorylase A; minus strand). Cytogenetic location: 7p21.2.
Variant type: Deletion.
Identifiers: ClinVar variation 473152 (VCV000473152.1).

ClinVar aggregate classification (germline): Pathogenic (1 of 4 stars; one submission).

Conditions:
Autosomal recessive limb-girdle muscular dystrophy type 2U. Also called: MUSCULAR DYSTROPHY, LIMB-GIRDLE, TYPE 2U; Muscular dystrophy-dystroglycanopathy (limb-girdle), type c, 7. Identifiers: Orphanet 352479, MedGen C5190987, MONDO:0014474, OMIM 616052.
Muscular dystrophy-dystroglycanopathy (congenital with brain and eye anomalies), type A, 7. Also called: WALKER-WARBURG SYNDROME OR MUSCLE-EYE-BRAIN DISEASE, ISPD-RELATED; Congenital muscular dystrophy-dystroglycanopathy with brain and eye anomalies, type A7. Identifiers: Orphanet 899, MedGen C3553330, MONDO:0013835, OMIM 614643.

Submission:

Labcorp Genetics (formerly Invitae), Labcorp
Classification: Pathogenic for Muscular dystrophy-dystroglycanopathy (congenital with brain and eye anomalies), type A, 7; Autosomal recessive limb-girdle muscular dystrophy type 2U. Last evaluated: 2016-12-05. Review status: criteria provided, single submitter. Criteria: Invitae Variant Classification Sherloc (09022015). Collection method: clinical testing. Allele origin: germline.
Comment: This variant is a gross deletion of the genomic region encompassing exon 2 of the ISPD gene. This creates a premature translational stop signal and is expected to result in an absent or disrupted protein product. While this particular variant has not been reported in the literature, truncating variants in ISPD are known to be pathogenic (PMID: 22522421). For these reasons, this variant has been classified as Pathogenic.